The following is an entry in ClinVar:

ClinVar aggregate classification (germline): Uncertain significance (1 of 4 stars; one submission).

Submission:

GeneDx
Classification: Uncertain significance. Last evaluated: 2025-08-29. Review status: criteria provided, single submitter. Criteria: GeneDx Variant Classification Process June 2021. Collection method: clinical testing. Allele origin: germline. Affected: yes.
Comment: Not observed at significant frequency in large population cohorts (gnomAD); In silico analysis supports that this missense variant has a deleterious effect on protein structure/function; Affects a glycine residue in a Gly-X-Y motif in the triple helical region of the COL4A4 gene; Has not been previously published as pathogenic or benign to our knowledge

NM_000092.5(COL4A4):c.3460G>A (p.Gly1154Ser)

Gene: COL4A4 (collagen type IV alpha 4 chain; minus strand). Cytogenetic location: 2q36.3.
Variant type: single nucleotide variant.
Coding change: c.3460G>A on transcript NM_000092.5 (MANE Select); coding-DNA position 3460, G replaced by A.
Protein change: p.Gly1154Ser; replaces glycine 1154 with serine.
Molecular consequence: missense variant.
Genome position (GRCh38, 1-based): chr2:227,042,193, C>T on the plus strand (G>A on the coding strand, the complement: COL4A4 is on the minus strand). VCF-style: chr2-227042193-C-T. GRCh37 (hg19) VCF-style: chr2-227906909-C-T.
Other names: short protein forms G1154S.
Identifiers: ClinVar variation 1314534 (VCV001314534.3), dbSNP rs2150094978, ClinGen allele CA350838241.